The following is an entry in ClinVar:

NM_144563.3(RPIA):c.658A>G (p.Met220Val)

Gene: RPIA (ribose 5-phosphate isomerase A; plus strand). Cytogenetic location: 2p11.2.
Variant type: single nucleotide variant.
Coding change: c.658A>G on transcript NM_144563.3 (MANE Select); coding-DNA position 658, A replaced by G.
Protein change: p.Met220Val; replaces methionine 220 with valine.
Molecular consequence: missense variant.
Genome position (GRCh38, 1-based): chr2:88,736,596, A>G. VCF-style: chr2-88736596-A-G. GRCh37 (hg19) VCF-style: chr2-89036113-A-G.
Other names: short protein forms M220V.
Identifiers: ClinVar variation 2848254 (VCV002848254.1), dbSNP rs1261288395, ClinGen allele CA347588949.

ClinVar aggregate classification (germline): Uncertain significance (1 of 4 stars; one submission).

Submission:

Labcorp Genetics (formerly Invitae), Labcorp
Classification: Uncertain significance. Last evaluated: 2023-09-14. Review status: criteria provided, single submitter. Criteria: Invitae Variant Classification Sherloc (09022015). Collection method: clinical testing. Allele origin: germline.
Comment: In summary, the available evidence is currently insufficient to determine the role of this variant in disease. Therefore, it has been classified as a Variant of Uncertain Significance. Advanced modeling of protein sequence and biophysical properties (such as structural, functional, and spatial information, amino acid conservation, physicochemical variation, residue mobility, and thermodynamic stability) performed at Invitae indicates that this missense variant is not expected to disrupt RPIA protein function. This variant has not been reported in the literature in individuals affected with RPIA-related conditions. This variant is not present in population databases (gnomAD no frequency). This sequence change replaces methionine, which is neutral and non-polar, with valine, which is neutral and non-polar, at codon 220 of the RPIA protein (p.Met220Val).